The following is an entry in ClinVar:

ClinVar aggregate classification (germline): Likely benign. Review status: criteria provided, multiple submitters, no conflicts (2 of 4 stars). 3 submissions from 3 submitters: Likely benign (2). 1 of the submissions does not count toward it. Last evaluated 2018-04-16.

Conditions:
ZNF407-related disorder. Also called: ZNF407-related condition.

Allele frequency attached by ClinVar (database versions not stated): gnomAD 0.00019; TOPMed 0.00028; ESP Exome Variant Server 0.00033.
gnomAD v4.1: 360 of 1,613,864 alleles (0.022%); highest among the groups gnomAD compares: African/African-American, 0.043%; no homozygotes.

Submissions (3):

Labcorp Genetics (formerly Invitae), Labcorp
Classification: Likely benign. Last evaluated: 2018-04-16. Review status: criteria provided, single submitter. Criteria: Invitae Variant Classification Sherloc (09022015). Collection method: clinical testing. Allele origin: germline.

Genetic Services Laboratory, University of Chicago
Classification: Likely benign. Last evaluated: 2015-11-17. Review status: criteria provided, single submitter. Criteria: ACMG Guidelines, 2015. Collection method: clinical testing. Allele origin: germline. Affected: no.

PreventionGenetics, part of Exact Sciences
Classification: Likely benign for ZNF407-related condition. Last evaluated: 2023-05-11. Review status: no assertion criteria provided. Collection method: clinical testing. Allele origin: germline. Not counted in ClinVar's aggregate classification.
Comment: This variant is classified as likely benign based on ACMG/AMP sequence variant interpretation guidelines (Richards et al. 2015 PMID: 25741868, with internal and published modifications).

NM_017757.3(ZNF407):c.4146G>A (p.Thr1382=)

Gene: ZNF407 (zinc finger protein 407; plus strand). Cytogenetic location: 18q22.3.
Variant type: single nucleotide variant.
Coding change: c.4146G>A on transcript NM_017757.3 (MANE Select); coding-DNA position 4146, G replaced by A.
Protein change: p.Thr1382=; no amino-acid change (threonine 1382 retained).
Molecular consequence: synonymous variant.
Genome position (GRCh38, 1-based): chr18:74,635,165, G>A. VCF-style: chr18-74635165-G-A. GRCh37 (hg19) VCF-style: chr18-72347121-G-A.
Other names: c.4146G>A, p.Thr1382= (NM_001146189.1, NM_001146190.1, NM_001384475.1).
Identifiers: ClinVar variation 437365 (VCV000437365.11), dbSNP rs373279175, ClinGen allele CA9000830.